The following is an entry in ClinVar:

NM_000368.5(TSC1):c.2022C>G (p.Val674=)

Gene: TSC1 (TSC complex subunit 1; minus strand). Cytogenetic location: 9q34.13.
Variant type: single nucleotide variant.
Coding change: c.2022C>G on transcript NM_000368.5 (MANE Select); coding-DNA position 2022, C replaced by G.
Protein change: p.Val674=; no amino-acid change (valine 674 retained).
Molecular consequence: synonymous variant.
Genome position (GRCh38, 1-based): chr9:132,904,430, G>C on the plus strand (C>G on the coding strand, the complement: TSC1 is on the minus strand). VCF-style: chr9-132904430-G-C. GRCh37 (hg19) VCF-style: chr9-135779817-G-C.
Other names: c.2019C>G, p.Val673= (NM_001162426.2); c.1869C>G, p.Val623= (NM_001162427.2); c.1659C>G, p.Val553= (NM_001362177.2).
Identifiers: ClinVar variation 697142 (VCV000697142.20), dbSNP rs118203618, ClinGen allele CA467590787.

ClinVar aggregate classification (germline): Benign/Likely benign. Review status: criteria provided, multiple submitters, no conflicts (2 of 4 stars). 6 submissions from 6 submitters: Benign (2); Likely benign (3). 1 of the submissions does not count toward it. Last evaluated 2025-11-23.

Conditions:
TSC1-related disorder. Also called: TSC1-related condition.
Tuberous sclerosis 1 (TSC1). Identifiers: Orphanet 805, MedGen C1854465, MONDO:0008612, OMIM 191100.
Hereditary cancer-predisposing syndrome. Also called: Tumor predisposition; Hereditary neoplastic syndrome; Hereditary Cancer Syndrome; Neoplastic Syndromes, Hereditary. Identifiers: Orphanet 140162, MedGen C0027672, MeSH D009386, MONDO:0015356.
Tuberous sclerosis syndrome (TSC). Also called: Tuberous Sclerosis Complex; Tuberous sclerosis. Identifiers: Orphanet 805, MedGen C0041341, MONDO:0001734.

Allele frequency attached by ClinVar (database versions not stated): TOPMed 0.00001.
gnomAD v4.1: 23 of 1,613,990 alleles (0.0014%); highest among the groups gnomAD compares: Admixed American, 0.0033%; no homozygotes.

Submissions (6):

Labcorp Genetics (formerly Invitae), Labcorp
Classification: Likely benign for Tuberous sclerosis 1. Last evaluated: 2025-11-23. Review status: criteria provided, single submitter. Criteria: Invitae Variant Classification Sherloc (09022015). Collection method: clinical testing. Allele origin: germline.

Myriad Genetics, Inc.
Classification: Benign for Tuberous sclerosis 1. Last evaluated: 2025-04-24. Review status: criteria provided, single submitter. Criteria: Myriad Autosomal Dominant, Autosomal Recessive and X-Linked Classification Criteria (2023). Collection method: clinical testing. Allele origin: unknown.
Comment: This variant is considered benign. This variant is a silent/synonymous amino acid change and it is not expected to impact splicing.

Color Diagnostics, LLC DBA Color Health
Classification: Likely benign for Tuberous sclerosis syndrome. Last evaluated: 2022-11-06. Review status: criteria provided, single submitter. Criteria: ACMG Guidelines, 2015. Collection method: clinical testing. Allele origin: germline.

Genome-Nilou Lab
Classification: Benign for Tuberous sclerosis 1. Last evaluated: 2021-11-07. Review status: criteria provided, single submitter. Criteria: ACMG Guidelines, 2015. Collection method: clinical testing. Allele origin: germline. Affected: no.

Ambry Genetics
Classification: Likely benign for Hereditary cancer-predisposing syndrome. Last evaluated: 2019-03-21. Review status: criteria provided, single submitter. Criteria: Ambry Variant Classification Scheme 2023. Collection method: clinical testing. Allele origin: germline.

PreventionGenetics, part of Exact Sciences
Classification: Likely benign for TSC1-related condition. Last evaluated: 2024-07-26. Review status: no assertion criteria provided. Collection method: clinical testing. Allele origin: germline. Not counted in ClinVar's aggregate classification.
Comment: This variant is classified as likely benign based on ACMG/AMP sequence variant interpretation guidelines (Richards et al. 2015 PMID: 25741868, with internal and published modifications).